The following is an entry in ClinVar:

NM_001365999.1(SZT2):c.3349G>C (p.Ala1117Pro)

Gene: SZT2 (SZT2 subunit of KICSTOR complex; plus strand). Cytogenetic location: 1p34.2.
Variant type: single nucleotide variant.
Coding change: c.3349G>C on transcript NM_001365999.1 (MANE Select); coding-DNA position 3349, G replaced by C.
Protein change: p.Ala1117Pro; replaces alanine 1117 with proline.
Molecular consequence: missense variant.
Genome position (GRCh38, 1-based): chr1:43,427,095, G>C. VCF-style: chr1-43427095-G-C. GRCh37 (hg19) VCF-style: chr1-43892766-G-C.
Other names: c.3178G>C, p.Ala1060Pro (NM_015284.4); short protein forms A1060P, A1117P.
Identifiers: ClinVar variation 5041801 (VCV005041801.1).

ClinVar aggregate classification (germline): Uncertain significance (1 of 4 stars; one submission).

Submission:

CeGaT Center for Human Genetics Tuebingen
Classification: Uncertain significance. Last evaluated: 2026-09-01. Review status: criteria provided, single submitter. Criteria: CeGaT Center For Human Genetics Tuebingen Variant Classification Criteria Version 2. Collection method: clinical testing. Allele origin: germline. Affected: yes. Observed: 1 variant allele.
Comment: SZT2: PM2, BP4